The following is an entry in ClinVar:

NM_182961.4(SYNE1):c.13310T>C (p.Leu4437Pro)

Gene: SYNE1 (spectrin repeat containing nuclear envelope protein 1; minus strand). Cytogenetic location: 6q25.2.
Variant type: single nucleotide variant.
Coding change: c.13310T>C on transcript NM_182961.4 (MANE Select); coding-DNA position 13310, T replaced by C.
Protein change: p.Leu4437Pro; replaces leucine 4437 with proline.
Molecular consequence: missense variant.
Genome position (GRCh38, 1-based): chr6:152,331,375, A>G on the plus strand (T>C on the coding strand, the complement: SYNE1 is on the minus strand). VCF-style: chr6-152331375-A-G. GRCh37 (hg19) VCF-style: chr6-152652510-A-G.
Other names: c.13097T>C (NM_033071.3); c.13097T>C, p.Leu4366Pro (NM_033071.5); short protein forms L4366P, L4437P.
Identifiers: ClinVar variation 501295 (VCV000501295.17), dbSNP rs745789075, ClinGen allele CA4056199.

ClinVar aggregate classification (germline): Uncertain significance. Review status: criteria provided, multiple submitters, no conflicts (2 of 4 stars). 4 submissions from 4 submitters: Uncertain significance (4). Last evaluated 2025-09-05.

Conditions:
Emery-Dreifuss muscular dystrophy 4, autosomal dominant (EDMD4). Also called: EMERY-DREIFUSS MUSCULAR DYSTROPHY 4 WITH VARIABLE FEATURES. Identifiers: Orphanet 261, MedGen C2751807, MONDO:0013071, OMIM 612998.
Autosomal recessive ataxia, Beauce type. Also called: SYNE1 Deficiency; Spinocerebellar ataxia, autosomal recessive 8; ATAXIA, RECESSIVE, OF BEAUCE; SYNE1-Related Autosomal Recessive Cerebellar Ataxia. Identifiers: Orphanet 88644, MedGen C1853116, MONDO:0012549, OMIM 610743.

Allele frequency attached by ClinVar (database versions not stated): gnomAD 0.00001; ExAC 0.00002; gnomAD exomes 0.00002; TOPMed 0.00002.
gnomAD v4.1: 35 of 1,614,058 alleles (0.0022%); highest among the groups gnomAD compares: Non-Finnish European, 0.0028%; no homozygotes.

Submissions (4):

Labcorp Genetics (formerly Invitae), Labcorp
Classification: Uncertain significance for Emery-Dreifuss muscular dystrophy 4, autosomal dominant; Autosomal recessive ataxia, Beauce type. Last evaluated: 2025-09-05. Review status: criteria provided, single submitter. Criteria: Invitae Variant Classification Sherloc (09022015). Collection method: clinical testing. Allele origin: germline.
Comment: This sequence change replaces leucine, which is neutral and non-polar, with proline, which is neutral and non-polar, at codon 4366 of the SYNE1 protein (p.Leu4366Pro). This variant is present in population databases (rs745789075, gnomAD 0.004%). This variant has not been reported in the literature in individuals affected with SYNE1-related conditions. ClinVar contains an entry for this variant (Variation ID: 501295). An algorithm developed to predict the effect of missense changes on protein structure and function (PolyPhen-2) suggests that this variant is likely to be disruptive. In summary, the available evidence is currently insufficient to determine the role of this variant in disease. Therefore, it has been classified as a Variant of Uncertain Significance.

Revvity Omics, Revvity
Classification: Uncertain significance. Last evaluated: 2024-05-06. Review status: criteria provided, single submitter. Criteria: ACMG Guidelines, 2015. Collection method: clinical testing. Allele origin: germline.

Athena Diagnostics
Classification: Uncertain significance. Last evaluated: 2019-06-27. Review status: criteria provided, single submitter. Criteria: Athena Diagnostics Criteria. Collection method: clinical testing. Allele origin: germline.

Eurofins Ntd Llc (ga)
Classification: Uncertain significance. Last evaluated: 2017-04-13. Review status: criteria provided, single submitter. Criteria: EGL Classification Definitions 2015. Collection method: clinical testing. Allele origin: germline. Observed: 1 variant allele, 1 heterozygote.